The following is an entry in ClinVar:

ClinVar aggregate classification (germline): Benign (1 of 4 stars; one submission).

Conditions:
Oculotrichoanal syndrome (MOTA). Also called: MARLES SYNDROME; Manitoba Oculotrichoanal (MOTA) Syndrome. Identifiers: Orphanet 2717, MedGen C1855425, MONDO:0009560, OMIM 248450.

Allele frequency attached by ClinVar (database versions not stated): gnomAD 0.03729; 1000 Genomes Project 0.04333; TOPMed 0.04320.

Submission:

Illumina Laboratory Services, Illumina
Classification: Benign for Oculotrichoanal syndrome. Last evaluated: 2018-01-12. Review status: criteria provided, single submitter. Criteria: ICSL Variant Classification Criteria 13 December 2019. Collection method: clinical testing. Allele origin: germline.
Comment: This variant was observed in the ICSL laboratory as part of a predisposition screen in an ostensibly healthy population. It had not been previously curated by ICSL or reported in the Human Gene Mutation Database (HGMD: prior to June 1st, 2018), and was therefore a candidate for classification through an automated scoring system. Utilizing variant allele frequency, disease prevalence and penetrance estimates, and inheritance mode, an automated score was calculated to assess if this variant is too frequent to cause the disease. Based on the score and internal cut-off values, a variant classified as benign is not then subjected to further curation. The score for this variant resulted in a classification of benign for this disease.

NM_144966.5(FREM1):c.*529C>T

Gene: FREM1 (FRAS1 related extracellular matrix 1; minus strand). Cytogenetic location: 9p22.3.
Variant type: single nucleotide variant.
Coding change: c.*529C>T on transcript NM_144966.5; 529 bases downstream of the stop codon, C replaced by T.
Genome position (GRCh38, 1-based): chr9:14,736,867, G>A on the plus strand (C>T on the coding strand, the complement: FREM1 is on the minus strand). VCF-style: chr9-14736867-G-A. GRCh37 (hg19) VCF-style: chr9-14736865-G-A.
Identifiers: ClinVar variation 366089 (VCV000366089.7), dbSNP rs79391133, ClinGen allele CA10633427.